The following is an entry in ClinVar:

ClinVar aggregate classification (germline): Uncertain significance. Review status: criteria provided, multiple submitters, no conflicts (2 of 4 stars). 3 submissions from 3 submitters: Uncertain significance (3). Last evaluated 2025-12-01.

Conditions:
Hepatoencephalopathy due to combined oxidative phosphorylation defect type 1. Also called: HEPATOENCEPHALOPATHY, EARLY FATAL PROGRESSIVE. Identifiers: Orphanet 137681, MedGen C1836797, MONDO:0012191, OMIM 609060.
Combined oxidative phosphorylation deficiency 39. Identifiers: Orphanet 565624, MedGen C5193075, MONDO:0032726, OMIM 618397.
Inborn genetic diseases. Identifiers: MedGen C0950123, MeSH D030342.

Allele frequency attached by ClinVar (database versions not stated): 1000 Genomes Project 30x 0.00016; 1000 Genomes Project 0.00020; ExAC 0.00053; gnomAD exomes 0.00054; ESP Exome Variant Server 0.00062; gnomAD 0.00074 and 0.00084; TOPMed 0.00092.
gnomAD v4.1: 1,394 of 1,613,830 alleles (0.086%); highest among the groups gnomAD compares: Non-Finnish European, 0.1%; no homozygotes.

Submissions (3):

GeneDx
Classification: Uncertain significance. Last evaluated: 2025-12-01. Review status: criteria provided, single submitter. Criteria: GeneDx Variant Classification Process June 2021. Collection method: clinical testing. Allele origin: germline. Affected: yes.
Comment: In silico analysis suggests that this missense variant does not alter protein structure/function; Has not been previously published as pathogenic or benign to our knowledge

Labcorp Genetics (formerly Invitae), Labcorp
Classification: Uncertain significance. Last evaluated: 2025-10-21. Review status: criteria provided, single submitter. Criteria: Invitae Variant Classification Sherloc (09022015). Collection method: clinical testing. Allele origin: germline.
Comment: This sequence change replaces serine, which is neutral and polar, with threonine, which is neutral and polar, at codon 662 of the GFM2 protein (p.Ser662Thr). This variant is present in population databases (rs141789665, gnomAD 0.08%), and has an allele count higher than expected for a pathogenic variant. This variant has not been reported in the literature in individuals affected with GFM2-related conditions. ClinVar contains an entry for this variant (Variation ID: 214516). Invitae Evidence Modeling of protein sequence and biophysical properties (such as structural, functional, and spatial information, amino acid conservation, physicochemical variation, residue mobility, and thermodynamic stability) indicates that this missense variant is not expected to disrupt GFM2 protein function with a negative predictive value of 80%. In summary, the available evidence is currently insufficient to determine the role of this variant in disease. Therefore, it has been classified as a Variant of Uncertain Significance.

Ambry Genetics
Classification: Uncertain significance for Inborn genetic diseases. Last evaluated: 2021-07-23. Review status: criteria provided, single submitter. Criteria: Ambry Variant Classification Scheme 2023. Collection method: clinical testing. Allele origin: germline.

NM_032380.5(GFM2):c.1984T>A (p.Ser662Thr)

Gene: GFM2 (GTP dependent ribosome recycling factor mitochondrial 2; minus strand). Cytogenetic location: 5q13.3.
Variant type: single nucleotide variant.
Coding change: c.1984T>A on transcript NM_032380.5 (MANE Select); coding-DNA position 1984, T replaced by A.
Protein change: p.Ser662Thr; replaces serine 662 with threonine.
Molecular consequence: missense variant. On other transcripts: non-coding transcript variant (1).
Genome position (GRCh38, 1-based): chr5:74,725,684, A>T on the plus strand (T>A on the coding strand, the complement: GFM2 is on the minus strand). VCF-style: chr5-74725684-A-T. GRCh37 (hg19) VCF-style: chr5-74021509-A-T.
Other names: p.S662T:TCC>ACC; c.2080T>A, p.Ser694Thr (NM_001281302.2); c.1843T>A, p.Ser615Thr (NM_170691.3); short protein forms S662T, S694T, S615T.
Identifiers: ClinVar variation 214516 (VCV000214516.14), dbSNP rs141789665, ClinGen allele CA324909.